The following is an entry in ClinVar:

NM_000642.3(AGL):c.2761G>A (p.Gly921Arg)

Gene: AGL (amylo-alpha-1,6-glucosidase and 4-alpha-glucanotransferase; plus strand). Cytogenetic location: 1p21.2.
Variant type: single nucleotide variant.
Coding change: c.2761G>A on transcript NM_000642.3 (MANE Select); coding-DNA position 2761, G replaced by A.
Protein change: p.Gly921Arg; replaces glycine 921 with arginine.
Molecular consequence: missense variant.
Genome position (GRCh38, 1-based): chr1:99,888,057, G>A. VCF-style: chr1-99888057-G-A. GRCh37 (hg19) VCF-style: chr1-100353613-G-A.
Other names: c.2761G>A, p.Gly921Arg (NM_000028.3, NM_000643.3, NM_000644.3 and 2 more transcripts); c.2713G>A, p.Gly905Arg (NM_000646.3); c.2560G>A, p.Gly854Arg (NM_001425327.1); c.2557G>A, p.Gly853Arg (NM_001425328.1); c.2422G>A, p.Gly808Arg (NM_001425329.1); c.2383G>A, p.Gly795Arg (NM_001425332.1); short protein forms G905R, G921R, G795R, G808R, G853R, G854R.
Identifiers: ClinVar variation 967783 (VCV000967783.7), dbSNP rs199868334, ClinGen allele CA966883.

ClinVar aggregate classification (germline): Uncertain significance. Review status: criteria provided, single submitter (1 of 4 stars). 2 submissions from 2 submitters: Uncertain significance (1). 1 of the submissions does not count toward it. Last evaluated 2022-03-25.

Conditions:
Glycogen storage disease type III (GSD3). Also called: FORBES DISEASE; Cori disease. Identifiers: Orphanet 366, MedGen C0017922, MONDO:0009291, OMIM 232400.

Allele frequency attached by ClinVar (database versions not stated): gnomAD exomes below 0.00001 and 0.00001; ExAC 0.00001; gnomAD 0.00001; TOPMed 0.00001.
gnomAD v4.1: 10 of 1,613,458 alleles (0.00062%); highest among the groups gnomAD compares: Middle Eastern, 0.033%; no homozygotes.

Submissions (2):

Labcorp Genetics (formerly Invitae), Labcorp
Classification: Uncertain significance for Glycogen storage disease type III. Last evaluated: 2022-03-25. Review status: criteria provided, single submitter. Criteria: Invitae Variant Classification Sherloc (09022015). Collection method: clinical testing. Allele origin: germline.
Comment: This sequence change replaces glycine, which is neutral and non-polar, with arginine, which is basic and polar, at codon 921 of the AGL protein (p.Gly921Arg). This variant is present in population databases (rs199868334, gnomAD 0.003%). This variant has not been reported in the literature in individuals affected with AGL-related conditions. ClinVar contains an entry for this variant (Variation ID: 967783). Algorithms developed to predict the effect of missense changes on protein structure and function are either unavailable or do not agree on the potential impact of this missense change (SIFT: "Deleterious"; PolyPhen-2: "Probably Damaging"; Align-GVGD: "Class C0"). In summary, the available evidence is currently insufficient to determine the role of this variant in disease. Therefore, it has been classified as a Variant of Uncertain Significance.

Natera, Inc.
Classification: Uncertain significance for Glycogen storage disease type III. Last evaluated: 2021-04-06. Review status: no assertion criteria provided. Collection method: clinical testing. Allele origin: germline. Not counted in ClinVar's aggregate classification.